The following is an entry in ClinVar:

ClinVar aggregate classification (germline): Uncertain significance (1 of 4 stars; one submission).

Conditions:
Hereditary cancer-predisposing syndrome. Also called: Neoplastic Syndromes, Hereditary; Tumor predisposition; Hereditary Cancer Syndrome; Hereditary neoplastic syndrome. Identifiers: Orphanet 140162, MedGen C0027672, MeSH D009386, MONDO:0015356.

Allele frequency attached by ClinVar (database versions not stated): gnomAD exomes below 0.00001.
gnomAD v4.1: 2 of 1,614,170 alleles (0.00012%); highest among the groups gnomAD compares: Non-Finnish European, 0.00017%; no homozygotes.

Submission:

Ambry Genetics
Classification: Uncertain significance for Hereditary cancer-predisposing syndrome. Last evaluated: 2023-07-15. Review status: criteria provided, single submitter. Criteria: Ambry Variant Classification Scheme 2023. Collection method: clinical testing. Allele origin: germline.
Comment: The p.E415Q variant (also known as c.1243G>C), located in coding exon 8 of the MSH3 gene, results from a G to C substitution at nucleotide position 1243. The glutamic acid at codon 415 is replaced by glutamine, an amino acid with highly similar properties. This amino acid position is highly conserved in available vertebrate species. In addition, this alteration is predicted to be deleterious by in silico analysis. Since supporting evidence is limited at this time, the clinical significance of this alteration remains unclear.

NM_002439.5(MSH3):c.1243G>C (p.Glu415Gln)

Gene: MSH3 (mutS homolog 3; plus strand). Cytogenetic location: 5q14.1.
Variant type: single nucleotide variant.
Coding change: c.1243G>C on transcript NM_002439.5 (MANE Select); coding-DNA position 1243, G replaced by C.
Protein change: p.Glu415Gln; replaces glutamic acid 415 with glutamine.
Molecular consequence: missense variant.
Genome position (GRCh38, 1-based): chr5:80,678,996, G>C. VCF-style: chr5-80678996-G-C. GRCh37 (hg19) VCF-style: chr5-79974815-G-C.
Other names: short protein forms E415Q.
Identifiers: ClinVar variation 1758960 (VCV001758960.3), dbSNP rs2546726599, ClinGen allele CA360268960.